The following is an entry in ClinVar:

NM_001142800.2(EYS):c.-120G>C

Gene: EYS (EGF-like photoreceptor maintenance factor; minus strand). Cytogenetic location: 6q12.
Variant type: single nucleotide variant.
Coding change: c.-120G>C on transcript NM_001142800.2 (MANE Select); 120 bases upstream of the start codon, G replaced by C.
Molecular consequence: 5 prime UTR variant.
Genome position (GRCh38, 1-based): chr6:65,495,530, C>G on the plus strand (G>C on the coding strand, the complement: EYS is on the minus strand). VCF-style: chr6-65495530-C-G. GRCh37 (hg19) VCF-style: chr6-66205423-C-G.
Other names: c.-120G>C (NM_001142801.2, NM_001292009.2, NM_198283.2).
Identifiers: ClinVar variation 1046724 (VCV001046724.6), dbSNP rs1482471142, ClinGen allele CA827149883.

ClinVar aggregate classification (germline): Uncertain significance (1 of 4 stars; one submission).

Allele frequency attached by ClinVar (database versions not stated): gnomAD exomes 0.00001; TOPMed 0.00001; gnomAD 0.00002.
gnomAD v4.1: 16 of 1,040,032 alleles (0.0015%); highest among the groups gnomAD compares: Non-Finnish European, 0.002%; no homozygotes.

Submission:

Labcorp Genetics (formerly Invitae), Labcorp
Classification: Uncertain significance. Last evaluated: 2024-10-23. Review status: criteria provided, single submitter. Criteria: Invitae Variant Classification Sherloc (09022015). Collection method: clinical testing. Allele origin: germline.
Comment: This variant occurs in a non-coding region of the EYS gene. It does not change the encoded amino acid sequence of the EYS protein. This variant is not present in population databases (gnomAD no frequency). This variant has not been reported in the literature in individuals affected with EYS-related conditions. ClinVar contains an entry for this variant (Variation ID: 1046724). Experimental studies and prediction algorithms are not available or were not evaluated, and the functional significance of this variant is currently unknown. In summary, the available evidence is currently insufficient to determine the role of this variant in disease. Therefore, it has been classified as a Variant of Uncertain Significance.